The following continues an entry in ClinVar:

NM_004168.4(SDHA):c.91C>T (p.Arg31Ter)

Gene: SDHA. ClinVar aggregate classification (germline): Pathogenic/Likely pathogenic. Pathogenic (38); Likely pathogenic (3).

Submissions 7 to 17 of 53:

ARUP Laboratories, Molecular Genetics and Genomics, ARUP Laboratories
Classification: Pathogenic. Last evaluated: 2025-06-25. Review status: criteria provided, single submitter. Criteria: ARUP Molecular Germline Variant Investigation Process 2024. Collection method: clinical testing. Allele origin: germline.
Comment: The SDHA c.91C>T; p.Arg31Ter variant (rs142441643) is reported in the literature associated with disease in multiple patients. Genetic testing of a gastrointestinal stromal tumor (GIST) in a young adult patient identified the p.Arg31Ter variant in trans from another pathogenic variant (p.Arg589Trp); subsequent testing revealed that the p.Arg31Ter variant was germline whereas the p.Arg589Trp variant was detected only in the tumor (Pantaleo 2011). Another study of paragangliomas (PGL) and pheochromocytomas identified the p.Arg31Ter variant in four tumors (patients were heterozygous for germline p.Arg31Ter, whereas tumors showed loss-of-heterozygosity); however, the same variant was also identified in 0.3% of healthy controls (Korpershoek 2011). A number of other studies have reported the p.Arg31Ter variant in both PGL and non-PGL tumors, often with evidence of p.Arg31Ter as a germline variant in affected patients (Boikos 2016, Denes 2015, Else 2017, Lussey-Lepoutre 2016, Niemeijer 2015, Oudijk 2013, Rattenberry 2013, Wagner 2013). Finally, p.Arg31Ter was also identified in trans from a germline p.Cys189Gly variant in a patient with multisystem mitochondrial disease (Renkema 2015). The p.Arg31Ter variant is classified as pathogenic by multiple laboratories in ClinVar (Variation ID: 142601). It is found in the general population databases with an overall allele frequency of 0.02% (58/276948 alleles) in the Genome Aggregation Database. This variant induces an early termination codon and is predicted to result in a truncated protein or mRNA subject to nonsense-mediated decay. Based on available information, this variant is considered to be pathogenic. However, pathogenic heterozygous SDHA variants have incomplete penetrance (Casey 2017) and the individual risk has yet to be determined. References: Boikos SA et al. Carney triad can be (rarely) associated with germline succinate dehydrogenase defects. Eur J Hum Genet. 2016 Apr;24(4):569-73. Casey RT et al. SDHA related tumorigenesis: a new case series and literature review for variant interpretation and pathogenicity. Mol Genet Genomic Med. 2017 Mar 2;5(3):237-250. Denes J et al. Heterogeneous genetic background of the association of pheochromocytoma/paraganglioma and pituitary adenoma: results from a large patient cohort. J Clin Endocrinol Metab. 2015 Mar;100(3):E531-41. Else T et al. Adrenocortical carcinoma and succinate dehydrogenase gene mutations: an observational case series. Eur J Endocrinol. 2017 Nov;177(5):439-444. Korpershoek E et al. SDHA immunohistochemistry detects germline SDHA gene mutations in apparently sporadic paragangliomas and pheochromocytomas. J Clin Endocrinol Metab. 2011 Sep;96(9):E1472-6. Lussey-Lepoutre C et al. In Vivo Detection of Succinate by Magnetic Resonance Spectroscopy as a Hallmark of SDHx Mutations in Paraganglioma. Clin Cancer Res. 2016 Mar 1;22(5):1120-9. Niemeijer ND et al. Succinate Dehydrogenase (SDH)-Deficient Pancreatic Neuroendocrine Tumor Expands the SDH-Related Tumor Spectrum. J Clin Endocrinol Metab. 2015 Oct;100(10):E1386-93. Oudijk L et al. SDHA mutations in adult and pediatric wild-type gastrointestinal stromal tumors. Mod Pathol. 2013 Mar;26(3):456-63. Pantaleo MA et al. SDHA loss-of-function mutations in KIT-PDGFRA wild-type gastrointestinal stromal tumors identified by massively parallel sequencing. J Natl Cancer Inst. 2011 Jun 22;103(12):983-7. Rattenberry E et al. A comprehensive next generation sequencing-based genetic testing strategy to improve diagnosis of inherited pheochromocytoma and paraganglioma. J Clin Endocrinol Metab. 2013 Jul;98(7):E1248-56. Renkema GH et al. SDHA mutations causing a multisystem mitochondrial disease: novel mutations and genetic overlap with hereditary tumors. Eur J Hum Genet. 2015 Feb;23(2):202-9. Wagner AJ et al. Loss of expression of SDHA predicts SDHA mutations in gastrointestinal stromal tumors. Mod Pathol. 2013 Feb;26(2):289-94.

Cambridge Genomics Laboratory, East Genomic Laboratory Hub, NHS Genomic Medicine Service
Classification: Pathogenic for Inherited phaeochromocytoma and paraganglioma excluding NF1. Last evaluated: 2025-06-04. Review status: criteria provided, single submitter. Criteria: ACGS Best Practice Guidelines for Variant Classification in Rare Disease 2020. Collection method: clinical testing. Allele origin: germline. Affected: yes.

Ambry Genetics
Classification: Pathogenic for Hereditary cancer-predisposing syndrome. Last evaluated: 2025-04-18. Review status: criteria provided, single submitter. Criteria: Ambry Variant Classification Scheme 2023. Collection method: clinical testing. Allele origin: germline.
Comment: The p.R31* pathogenic mutation (also known as c.91C>T), located in coding exon 2 of the SDHA gene, results from a C to T substitution at nucleotide position 91. This changes the amino acid from an arginine to a stop codon within coding exon 2. This mutation has been reported in multiple individuals diagnosed with isolated paraganglioma (Rattenberry E et al. J. Clin. Endocrinol. Metab. 2013 Jul;98:E1248-56; Bahougne T et al. Endocr. Relat. Cancer. 2017 Feb;24:L7-L11; Lussey-Lepoutre C et al. Clin. Cancer Res. 2016 Mar;22:1120-9). This mutation was also detected in 2/692 (0.3%) Dutch controls, which suggests a low penetrance of paragangliomas in individuals with this mutation (Korpershoek E et al. J. Clin. Endocrinol. Metab. 2011 Sep;96:E1472-6). This alteration has also been reported in individuals with gastrointestinal stromal tumors and pheochromocytomas, an individual with adrenocortical carcinoma, and an individual with SDHA-deficient renal cell carcinoma (Pantaleo MA et al. J. Natl. Cancer Inst. 2011 Jun;103:983-7; Wagner AJ et al. Mod. Pathol. 2013 Feb;26:289-94; Oudijk L et al. Mod. Pathol. 2013 Mar;26:456-63; Else T et al. Eur. J. Endocrinol. 2017 Nov;177:439-444; McEvoy CR et al. NPJ Precis Oncol. 2018 Mar;2:9; Dubard Gault M et al. Cold Spring Harb Mol Case Stud. 2018 08;4:(4); Tufton N et al. Endocr. Relat. Cancer. 2017 07;24:L43-L49). In addition to the clinical data presented in the literature, this alteration is expected to result in loss of function by premature protein truncation or nonsense-mediated mRNA decay. As such, this alteration is interpreted as a disease-causing mutation.

Molecular Pathology, Peter Maccallum Cancer Centre
Classification: Pathogenic for Pheochromocytoma/paraganglioma syndrome 5. Last evaluated: 2025-03-31. Review status: criteria provided, single submitter. Criteria: ACMG Guidelines, 2015. Collection method: clinical testing. Allele origin: germline. Inheritance: Autosomal dominant inheritance.

Variantyx, Inc.
Classification: Likely pathogenic for Mitochondrial complex II deficiency, nuclear type 1. Last evaluated: 2025-03-24. Review status: criteria provided, single submitter. Criteria: Variantyx Assertion Criteria 2022. Collection method: clinical testing. Allele origin: germline. Inheritance: Autosomal recessive inheritance.
Comment: This is a nonsense variant in the SDHA gene (OMIM: 600857). Pathogenic variants in this gene have been associated with autosomal recessive mitochondrial complex II deficiency, nuclear type 1. This variant introduces a premature termination codon in exon 2 out of 15. It is expected to result in loss of function, which is a known disease mechanism for SDHA in this disorder (PMID: 24781757) (PVS1). This variant has a 0.0534% maximum allele frequency in non-founder control populations (PM2). This variant has been reported in a compound heterozygous state in at least 2 affected individuals (PMID: 33960148, 24781757). Based on the current evidence, this variant is classified as likely pathogenic for autosomal recessive mitochondrial complex II deficiency, nuclear type 1.

Center for Genomic Medicine, Rigshospitalet, Copenhagen University Hospital
Classification: Pathogenic. Last evaluated: 2025-03-04. Review status: criteria provided, single submitter. Criteria: ACMG Guidelines, 2015. Collection method: clinical testing. Allele origin: germline.

Blueprint Genetics
Classification: Pathogenic for SDHA-related disorders. Last evaluated: 2024-11-26. Review status: criteria provided, single submitter. Criteria: ACMG Guidelines, 2015. Collection method: clinical testing. Allele origin: germline. Affected: yes. Observed: 5 variant alleles.

Victorian Clinical Genetics Services, Murdoch Childrens Research Institute
Classification: Pathogenic for Pheochromocytoma/paraganglioma syndrome 5. Last evaluated: 2024-10-10. Review status: criteria provided, single submitter. Criteria: ACMG Guidelines, 2015. Collection method: clinical testing. Allele origin: germline. Inheritance: Autosomal dominant inheritance. Affected: no.
Comment: Based on the classification scheme VCGS_Germline_v1.3.4, this variant is classified as Pathogenic. Following criteria are met: 0102 - Loss of function is a known mechanism of disease in this gene and is associated with SDHA-related disorders (MIM#613642, MIM#252011, MIM#619259, MIM#614165). (I) 0108 - This gene is associated with both recessive and dominant disease (OMIM). (I) 0112 - The condition associated with this gene has incomplete penetrance. Variants in this gene are known to have reduced penetrance for paragangliomas 5 (PMID: 29978154). (I) 0204 - Variant is predicted to result in a truncated protein (premature termination codon is located within the first 102 nucleotides of the coding sequence and is predicted to escape nonsense-mediated decay). (SP) 0251 - This variant is heterozygous. (I) 0302 - Variant is present in gnomAD (v2: 59 heterozygotes, 0 homozygotes). (SP) 0801 - This variant has strong previous evidence of pathogenicity in unrelated individuals. This variant has been reported multiple times in association with paraganglioma. In addition, it has also been reported in compound heterozygous state in an individual with Leigh syndrome (ClinVar, PMID: 24781757). (SP) 1001 - This variant has strong functional evidence supporting abnormal protein function. Functional studies showed a partial reduction in protein and almost complete loss of complex II activity (PMID: 24781757). (I) Legend: (SP) - Supporting pathogenic, (I) - Information, (SB) - Supporting benign

Institute of Human Genetics, University of Leipzig Medical Center
Classification: Pathogenic for Pheochromocytoma/paraganglioma syndrome 5. Last evaluated: 2024-05-15. Review status: criteria provided, single submitter. Criteria: ACMG Guidelines, 2015. Collection method: clinical testing. Allele origin: unknown. Affected: yes.
Comment: Criteria applied: PVS1,PS3_SUP,PS4_MOD

Baylor Genetics
Classification: Pathogenic for Dilated cardiomyopathy 1GG. Last evaluated: 2024-02-24. Review status: criteria provided, single submitter. Criteria: ACMG Guidelines, 2015. Collection method: clinical testing. Allele origin: unknown.

Clinical Genetics Laboratory, Skane University Hospital Lund
Classification: Pathogenic. Last evaluated: 2023-11-23. Review status: criteria provided, single submitter. Criteria: ACMG Guidelines, 2015. Collection method: clinical testing. Allele origin: germline. Affected: yes.